The following is an entry in ClinVar:

ClinVar aggregate classification (germline): Uncertain significance (1 of 4 stars; one submission).

gnomAD v4.1: 4 of 1,612,356 alleles (0.00025%); highest among the groups gnomAD compares: African/African-American, 0.0027%; no homozygotes.

Submission:

Labcorp Genetics (formerly Invitae), Labcorp
Classification: Uncertain significance. Last evaluated: 2025-10-03. Review status: criteria provided, single submitter. Criteria: Invitae Variant Classification Sherloc (09022015). Collection method: clinical testing. Allele origin: germline.
Comment: This sequence change replaces alanine, which is neutral and non-polar, with threonine, which is neutral and polar, at codon 380 of the CARMIL2 protein (p.Ala380Thr). This variant is present in population databases (rs767570673, gnomAD 0.0009%). This variant has not been reported in the literature in individuals affected with CARMIL2-related conditions. Invitae Evidence Modeling of protein sequence and biophysical properties (such as structural, functional, and spatial information, amino acid conservation, physicochemical variation, residue mobility, and thermodynamic stability) indicates that this missense variant is not expected to disrupt CARMIL2 protein function with a negative predictive value of 80%. In summary, the available evidence is currently insufficient to determine the role of this variant in disease. Therefore, it has been classified as a Variant of Uncertain Significance.

NM_001013838.3(CARMIL2):c.1138G>A (p.Ala380Thr)

Gene: CARMIL2 (capping protein regulator and myosin 1 linker 2; plus strand). Cytogenetic location: 16q22.1.
Variant type: single nucleotide variant.
Coding change: c.1138G>A on transcript NM_001013838.3 (MANE Select); coding-DNA position 1138, G replaced by A.
Protein change: p.Ala380Thr; replaces alanine 380 with threonine.
Molecular consequence: missense variant.
Genome position (GRCh38, 1-based): chr16:67,648,118, G>A. VCF-style: chr16-67648118-G-A. GRCh37 (hg19) VCF-style: chr16-67682021-G-A.
Other names: c.1138G>A, p.Ala380Thr (NM_001317026.3, NM_001438244.1, NM_001438835.1); short protein forms A380T.
Identifiers: ClinVar variation 4704966 (VCV004704966.1).
Genomic context (GRCh38, chr16:67,648,118, plus strand): 5'-TATAGCTTCCTGAGCCGTCCTAACGTACTGTCGTTCCTGAATCTCGCAGGCACCGACACT[G>A]CCCTGGACACTGTGAGGGGGTGCTCCGTGGGGGGATGGATGACCGGCAGGGCGGACTGGA-3'
Protein context (NP_001013860.1, residues 370-390): SFLNLAGTDT[Ala380Thr]LDTVRGCSVG